The following is an entry in ClinVar:

NM_001271.4(CHD2):c.3817A>G (p.Ile1273Val)

Gene: CHD2 (chromodomain helicase DNA binding protein 2; plus strand). Cytogenetic location: 15q26.1.
Variant type: single nucleotide variant.
Coding change: c.3817A>G on transcript NM_001271.4 (MANE Select); coding-DNA position 3817, A replaced by G.
Protein change: p.Ile1273Val; replaces isoleucine 1273 with valine.
Molecular consequence: missense variant.
Genome position (GRCh38, 1-based): chr15:92,997,335, A>G. VCF-style: chr15-92997335-A-G. GRCh37 (hg19) VCF-style: chr15-93540565-A-G.
Other names: short protein forms I1273V.
Identifiers: ClinVar variation 1720234 (VCV001720234.6), dbSNP rs2505590851, ClinGen allele CA393898545.

ClinVar aggregate classification (germline): Uncertain significance (1 of 4 stars; one submission).

Conditions:
Developmental and epileptic encephalopathy 94 (DEE94). Also called: CHD2-Related Neurodevelopmental Disorders; Epileptic encephalopathy, childhood-onset. Identifiers: Orphanet 1942, Orphanet 2382, MedGen C3809278, MONDO:0014150, OMIM 615369.

Submission:

Labcorp Genetics (formerly Invitae), Labcorp
Classification: Uncertain significance for Developmental and epileptic encephalopathy 94. Last evaluated: 2022-09-23. Review status: criteria provided, single submitter. Criteria: Invitae Variant Classification Sherloc (09022015). Collection method: clinical testing. Allele origin: germline.
Comment: Advanced modeling of protein sequence and biophysical properties (such as structural, functional, and spatial information, amino acid conservation, physicochemical variation, residue mobility, and thermodynamic stability) performed at Invitae indicates that this missense variant is not expected to disrupt CHD2 protein function. In summary, the available evidence is currently insufficient to determine the role of this variant in disease. Therefore, it has been classified as a Variant of Uncertain Significance. This variant is not present in population databases (gnomAD no frequency). This sequence change replaces isoleucine, which is neutral and non-polar, with valine, which is neutral and non-polar, at codon 1273 of the CHD2 protein (p.Ile1273Val). This variant has not been reported in the literature in individuals affected with CHD2-related conditions.